The following is an entry in ClinVar:

ClinVar aggregate classification (germline): Uncertain significance (1 of 4 stars; one submission).

gnomAD v4.1: 22 of 1,603,976 alleles (0.0014%); highest among the groups gnomAD compares: Middle Eastern, 0.017%; no homozygotes.

Submission:

Labcorp Genetics (formerly Invitae), Labcorp
Classification: Uncertain significance. Last evaluated: 2025-09-24. Review status: criteria provided, single submitter. Criteria: Invitae Variant Classification Sherloc (09022015). Collection method: clinical testing. Allele origin: germline.
Comment: This sequence change replaces arginine, which is basic and polar, with tryptophan, which is neutral and slightly polar, at codon 484 of the GPAA1 protein (p.Arg484Trp). This variant is present in population databases (no rsID available, gnomAD 0.01%). This variant has not been reported in the literature in individuals affected with GPAA1-related conditions. An algorithm developed to predict the effect of missense changes on protein structure and function outputs the following: PolyPhen-2: "Benign". The tryptophan amino acid residue is found in multiple mammalian species, which suggests that this missense change does not adversely affect protein function. In summary, the available evidence is currently insufficient to determine the role of this variant in disease. Therefore, it has been classified as a Variant of Uncertain Significance.

NM_003801.4(GPAA1):c.1450C>T (p.Arg484Trp)

Gene: GPAA1 (glycosylphosphatidylinositol anchor attachment 1; plus strand). Cytogenetic location: 8q24.3.
Variant type: single nucleotide variant.
Coding change: c.1450C>T on transcript NM_003801.4 (MANE Select); coding-DNA position 1450, C replaced by T.
Protein change: p.Arg484Trp; replaces arginine 484 with tryptophan.
Molecular consequence: missense variant.
Genome position (GRCh38, 1-based): chr8:144,085,478, C>T. VCF-style: chr8-144085478-C-T. GRCh37 (hg19) VCF-style: chr8-145140381-C-T.
Other names: short protein forms R484W.
Identifiers: ClinVar variation 4694760 (VCV004694760.1).